The following is an entry in ClinVar:

ClinVar aggregate classification (germline): Uncertain significance (1 of 4 stars; one submission).

Submission:

Labcorp Genetics (formerly Invitae), Labcorp
Classification: Uncertain significance. Last evaluated: 2023-11-15. Review status: criteria provided, single submitter. Criteria: Invitae Variant Classification Sherloc (09022015). Collection method: clinical testing. Allele origin: germline.
Comment: This sequence change replaces glutamine, which is neutral and polar, with arginine, which is basic and polar, at codon 459 of the KIF11 protein (p.Gln459Arg). This variant is not present in population databases (gnomAD no frequency). This variant has not been reported in the literature in individuals affected with KIF11-related conditions. Advanced modeling of protein sequence and biophysical properties (such as structural, functional, and spatial information, amino acid conservation, physicochemical variation, residue mobility, and thermodynamic stability) performed at Invitae indicates that this missense variant is not expected to disrupt KIF11 protein function with a negative predictive value of 80%. In summary, the available evidence is currently insufficient to determine the role of this variant in disease. Therefore, it has been classified as a Variant of Uncertain Significance.

NM_004523.4(KIF11):c.1376A>G (p.Gln459Arg)

Gene: KIF11 (kinesin family member 11; plus strand). Cytogenetic location: 10q23.33.
Variant type: single nucleotide variant.
Coding change: c.1376A>G on transcript NM_004523.4 (MANE Select); coding-DNA position 1376, A replaced by G.
Protein change: p.Gln459Arg; replaces glutamine 459 with arginine.
Molecular consequence: missense variant.
Genome position (GRCh38, 1-based): chr10:92,630,246, A>G. VCF-style: chr10-92630246-A-G. GRCh37 (hg19) VCF-style: chr10-94390003-A-G.
Other names: short protein forms Q459R.
Identifiers: ClinVar variation 2960538 (VCV002960538.3), dbSNP rs2492515203, ClinGen allele CA377591741.